The following is an entry in ClinVar:

NM_000051.4(ATM):c.2250+13A>G

Gene: ATM (ATM serine/threonine kinase; plus strand). Cytogenetic location: 11q22.3.
Variant type: single nucleotide variant.
Coding change: c.2250+13A>G on transcript NM_000051.4 (MANE Select); 13 bases into the intron after coding-DNA position 2250, A replaced by G.
Molecular consequence: intron variant.
Genome position (GRCh38, 1-based): chr11:108,256,353, A>G. VCF-style: chr11-108256353-A-G. GRCh37 (hg19) VCF-style: chr11-108127080-A-G.
Other names: c.2250+13A>G (NM_001351834.2).
Identifiers: ClinVar variation 490459 (VCV000490459.7), dbSNP rs1290519111, ClinGen allele CA658683737.

ClinVar aggregate classification (germline): Conflicting classifications of pathogenicity. Review status: criteria provided, conflicting classifications (1 of 4 stars). 3 submissions from 3 submitters: Uncertain significance (1); Likely benign (2). Last evaluated 2025-06-12.

Conditions:
Hereditary cancer-predisposing syndrome. Also called: Tumor predisposition; Neoplastic Syndromes, Hereditary; Hereditary Cancer Syndrome; Hereditary neoplastic syndrome. Identifiers: Orphanet 140162, MedGen C0027672, MeSH D009386, MONDO:0015356.
Ataxia-telangiectasia syndrome (AT). Also called: Ataxia-telangiectasia; Ataxia-telangiectasia, complementation group D; AT, COMPLEMENTATION GROUP C; LOUIS-BAR SYNDROME; Cerebello-oculocutaneous telangiectasia; Immunodeficiency with ataxia telangiectasia. Identifiers: Orphanet 100, MedGen C0004135, MONDO:0008840, OMIM 208900.

Allele frequency attached by ClinVar (database versions not stated): TOPMed 0.00002.

Submissions (3):

Labcorp Genetics (formerly Invitae), Labcorp
Classification: Likely benign for Ataxia-telangiectasia syndrome. Last evaluated: 2025-06-12. Review status: criteria provided, single submitter. Criteria: Invitae Variant Classification Sherloc (09022015). Collection method: clinical testing. Allele origin: germline.

Color Diagnostics, LLC DBA Color Health
Classification: Likely benign for Hereditary cancer-predisposing syndrome. Last evaluated: 2017-05-19. Review status: criteria provided, single submitter. Criteria: ACMG Guidelines, 2015. Collection method: clinical testing. Allele origin: germline.

Ambry Genetics
Classification: Uncertain significance for Hereditary cancer-predisposing syndrome. Last evaluated: 2015-02-26. Review status: criteria provided, single submitter. Criteria: Ambry Variant Classification Scheme 2023. Collection method: clinical testing. Allele origin: germline.
Comment: The c.2250+13A>G intronic alteration consists of a A to G substitution 3 nucleotides after coding exon 13 in the ATM gene. Based on insufficient or conflicting evidence, the clinical significance of this alteration remains unclear.